The following is an entry in ClinVar:

ClinVar aggregate classification (germline): Uncertain significance (1 of 4 stars; one submission).

gnomAD v4.1: 1 of 1,211,922 alleles (0.000083%); highest among the groups gnomAD compares: Non-Finnish European, 0.00011%; no homozygotes.

Submission:

GeneDx
Classification: Uncertain significance. Last evaluated: 2026-03-05. Review status: criteria provided, single submitter. Criteria: GeneDx Variant Classification Process June 2021. Collection method: clinical testing. Allele origin: germline.
Comment: Not observed at significant frequency in large population cohorts (gnomAD); In silico analysis supports that this missense variant has a deleterious effect on protein structure/function; Has not been previously published as pathogenic or benign to our knowledge

NM_015922.3(NSDHL):c.995C>G (p.Ala332Gly)

Gene: NSDHL (NAD(P) dependent 3-beta-hydroxysteroid dehydrogenase NSDHL; plus strand). Cytogenetic location: Xq28.
Variant type: single nucleotide variant.
Coding change: c.995C>G on transcript NM_015922.3 (MANE Select); coding-DNA position 995, C replaced by G.
Protein change: p.Ala332Gly; replaces alanine 332 with glycine.
Molecular consequence: missense variant.
Genome position (GRCh38, 1-based): chrX:152,868,989, C>G. VCF-style: chrX-152868989-C-G. GRCh37 (hg19) VCF-style: chrX-152037533-C-G.
Other names: c.995C>G, p.Ala332Gly (NM_001129765.2, NM_001441099.1); short protein forms A332G.
Identifiers: ClinVar variation 5008626 (VCV005008626.1).